The following is an entry in ClinVar:

ClinVar aggregate classification (germline): Uncertain significance. Review status: criteria provided, single submitter (1 of 4 stars). 2 submissions from 2 submitters: Uncertain significance (1). 1 of the submissions does not count toward it. Last evaluated 2022-08-21.

Conditions:
Glycine encephalopathy. Also called: Nonketotic hyperglycinemia; Non-ketotic hyperglycinemia. Identifiers: Orphanet 407, MedGen C0751748, MONDO:0011612, HP:0008288.

Allele frequency attached by ClinVar (database versions not stated): gnomAD 0.00001; TOPMed 0.00004; ExAC 0.00009; gnomAD exomes 0.00009.
gnomAD v4.1: 41 of 1,611,470 alleles (0.0025%); highest among the groups gnomAD compares: South Asian, 0.031%; no homozygotes.

Submissions (2):

Labcorp Genetics (formerly Invitae), Labcorp
Classification: Uncertain significance for Glycine encephalopathy. Last evaluated: 2022-08-21. Review status: criteria provided, single submitter. Criteria: Invitae Variant Classification Sherloc (09022015). Collection method: clinical testing. Allele origin: germline.
Comment: This sequence change replaces proline, which is neutral and non-polar, with alanine, which is neutral and non-polar, at codon 1004 of the GLDC protein (p.Pro1004Ala). This variant is present in population databases (rs773642256, gnomAD 0.04%). This variant has not been reported in the literature in individuals affected with GLDC-related conditions. ClinVar contains an entry for this variant (Variation ID: 1058743). Algorithms developed to predict the effect of missense changes on protein structure and function are either unavailable or do not agree on the potential impact of this missense change (SIFT: "Tolerated"; PolyPhen-2: "Probably Damaging"; Align-GVGD: "Class C0"). Algorithms developed to predict the effect of sequence changes on RNA splicing suggest that this variant may create or strengthen a splice site. In summary, the available evidence is currently insufficient to determine the role of this variant in disease. Therefore, it has been classified as a Variant of Uncertain Significance.

Natera, Inc.
Classification: Uncertain significance for Non-ketotic hyperglycinemia. Last evaluated: 2020-03-27. Review status: no assertion criteria provided. Collection method: clinical testing. Allele origin: germline. Not counted in ClinVar's aggregate classification.

NM_000170.3(GLDC):c.3010C>G (p.Pro1004Ala)

Gene: GLDC (glycine decarboxylase; minus strand). Cytogenetic location: 9p24.1.
Variant type: single nucleotide variant.
Coding change: c.3010C>G on transcript NM_000170.3 (MANE Select); coding-DNA position 3010, C replaced by G.
Protein change: p.Pro1004Ala; replaces proline 1004 with alanine.
Molecular consequence: missense variant.
Genome position (GRCh38, 1-based): chr9:6,533,070, G>C on the plus strand (C>G on the coding strand, the complement: GLDC is on the minus strand). VCF-style: chr9-6533070-G-C. GRCh37 (hg19) VCF-style: chr9-6533070-G-C.
Other names: short protein forms P1004A.
Identifiers: ClinVar variation 1058743 (VCV001058743.5), dbSNP rs773642256, ClinGen allele CA4979976.